The following is an entry in ClinVar:

ClinVar aggregate classification (germline): Pathogenic. Review status: criteria provided, multiple submitters, no conflicts (2 of 4 stars). 5 submissions from 5 submitters: Pathogenic (4). 1 of the submissions does not count toward it. Last evaluated 2024-03-01.

Conditions:
KMT2D-related disorder. Also called: KMT2D-Related Disorders.
Kabuki syndrome 1 (KABUK1). Also called: KMT2D-Related Kabuki Syndrome. Identifiers: Orphanet 2322, MedGen CN030661, MONDO:0007843, OMIM 147920.
Kabuki syndrome. Also called: NIIKAWA-KUROKI SYNDROME; Kabuki make-up syndrome. Identifiers: Orphanet 2322, MedGen C0796004, MONDO:0016512.
Inborn genetic diseases. Identifiers: MedGen C0950123, MeSH D030342.

Submissions (5):

GeneDx
Classification: Pathogenic. Last evaluated: 2024-03-01. Review status: criteria provided, single submitter. Criteria: GeneDx Variant Classification Process June 2021. Collection method: clinical testing. Allele origin: germline. Affected: yes.
Comment: Nonsense variant predicted to result in protein truncation or nonsense mediated decay in a gene for which loss of function is a known mechanism of disease; Not observed at significant frequency in large population cohorts (gnomAD); This variant is associated with the following publications: (PMID: 25525159, 21280141, 27302555, 23913813, 30107592, Fan2020[Article])

Labcorp Genetics (formerly Invitae), Labcorp
Classification: Pathogenic for Kabuki syndrome. Last evaluated: 2021-03-25. Review status: criteria provided, single submitter. Criteria: Invitae Variant Classification Sherloc (09022015). Collection method: clinical testing. Allele origin: germline.
Comment: For these reasons, this variant has been classified as Pathogenic. Loss-of-function variants in KMT2D are known to be pathogenic (PMID: 22126750). This variant has been observed in individual(s) with Kabuki syndrome (PMID: 21280141, 30107592). In at least one individual the variant was observed to be de novo. ClinVar contains an entry for this variant (Variation ID: 520944). This variant is not present in population databases (ExAC no frequency). This sequence change creates a premature translational stop signal (p.Arg3982*) in the KMT2D gene. It is expected to result in an absent or disrupted protein product.

Blueprint Genetics
Classification: Pathogenic for KMT2D-related disorders. Last evaluated: 2021-02-25. Review status: criteria provided, single submitter. Criteria: ACMG Guidelines, 2015. Collection method: clinical testing. Allele origin: germline. Affected: yes. Observed: 1 variant allele.

Ambry Genetics
Classification: Pathogenic for Inborn genetic diseases. Last evaluated: 2016-02-08. Review status: criteria provided, single submitter. Criteria: Ambry exome assertion method (8-5-2015). Collection method: clinical testing. Allele origin: germline. Affected: yes. Observed: 1 variant allele.

Autoinflammatory diseases unit, CHU de Montpellier
Classification: Pathogenic for Kabuki syndrome 1. Last evaluated: 2019-07-09. Review status: no assertion criteria provided. Collection method: clinical testing. Allele origin: de novo. Affected: yes. Not counted in ClinVar's aggregate classification.

Literature cited by the submitters: PubMed 22126750 (cited by Labcorp Genetics (formerly Invitae), Labcorp); PubMed 21280141 (cited by Labcorp Genetics (formerly Invitae), Labcorp); PubMed 30107592 (cited by Labcorp Genetics (formerly Invitae), Labcorp).

NM_003482.4(KMT2D):c.11944C>T (p.Arg3982Ter)

Gene: KMT2D (lysine methyltransferase 2D; minus strand). Cytogenetic location: 12q13.12.
Variant type: single nucleotide variant.
Coding change: c.11944C>T on transcript NM_003482.4 (MANE Select); coding-DNA position 11944, C replaced by T.
Protein change: p.Arg3982Ter; replaces arginine 3982 with a stop codon.
Molecular consequence: nonsense.
Genome position (GRCh38, 1-based): chr12:49,032,761, G>A on the plus strand (C>T on the coding strand, the complement: KMT2D is on the minus strand). VCF-style: chr12-49032761-G-A. GRCh37 (hg19) VCF-style: chr12-49426544-G-A.
Other names: short protein forms R3982*.
Identifiers: ClinVar variation 520944 (VCV000520944.18), dbSNP rs1555188379, ClinGen allele CA384713842.